The following is an entry in ClinVar:

NM_000085.5(CLCNKB):c.731C>T (p.Thr244Ile)

Genes: CLCNKB (chloride voltage-gated channel Kb; plus strand), LOC106501713 (CLCNKB recombination region; plus strand). Cytogenetic location: 1p36.13.
Variant type: single nucleotide variant.
Coding change: c.731C>T on transcript NM_000085.5 (MANE Select); coding-DNA position 731, C replaced by T.
Protein change: p.Thr244Ile; replaces threonine 244 with isoleucine.
Molecular consequence: missense variant.
Genome position (GRCh38, 1-based): chr1:16,049,195, C>T. VCF-style: chr1-16049195-C-T. GRCh37 (hg19) VCF-style: chr1-16375690-C-T.
Other names: c.224C>T, p.Thr75Ile (NM_001165945.2); short protein forms T244I, T75I.
Identifiers: ClinVar variation 1968097 (VCV001968097.5), dbSNP rs1385714869, ClinGen allele CA338637388.

ClinVar aggregate classification (germline): Uncertain significance (1 of 4 stars; one submission).

gnomAD v4.1: 3 of 1,613,664 alleles (0.00019%); highest among the groups gnomAD compares: Non-Finnish European, 0.00025%; no homozygotes.

Submission:

Labcorp Genetics (formerly Invitae), Labcorp
Classification: Uncertain significance. Last evaluated: 2022-04-14. Review status: criteria provided, single submitter. Criteria: Invitae Variant Classification Sherloc (09022015). Collection method: clinical testing. Allele origin: germline.
Comment: In summary, the available evidence is currently insufficient to determine the role of this variant in disease. Therefore, it has been classified as a Variant of Uncertain Significance. Advanced modeling of protein sequence and biophysical properties (such as structural, functional, and spatial information, amino acid conservation, physicochemical variation, residue mobility, and thermodynamic stability) performed at Invitae indicates that this missense variant is expected to disrupt CLCNKB protein function. This variant has not been reported in the literature in individuals affected with CLCNKB-related conditions. This variant is present in population databases (no rsID available, gnomAD 0.0009%). This sequence change replaces threonine, which is neutral and polar, with isoleucine, which is neutral and non-polar, at codon 244 of the CLCNKB protein (p.Thr244Ile).